The following is an entry in ClinVar:

ClinVar aggregate classification (germline): Likely benign. Review status: criteria provided, single submitter (1 of 4 stars). 2 submissions from 2 submitters: Likely benign (1). 1 of the submissions does not count toward it. Last evaluated 2024-03-16.

Conditions:
TBCD-related disorder. Also called: TBCD-related condition.

Allele frequency attached by ClinVar (database versions not stated): gnomAD exomes 0.00005 and 0.00007; ExAC 0.00007; gnomAD 0.00011; TOPMed 0.00019; 1000 Genomes Project 0.00040; 1000 Genomes Project 30x 0.00047.
gnomAD v4.1: 84 of 1,608,080 alleles (0.0052%); highest among the groups gnomAD compares: Admixed American, 0.018%; no homozygotes.

Submissions (2):

Labcorp Genetics (formerly Invitae), Labcorp
Classification: Likely benign. Last evaluated: 2024-03-16. Review status: criteria provided, single submitter. Criteria: Invitae Variant Classification Sherloc (09022015). Collection method: clinical testing. Allele origin: germline.

PreventionGenetics, part of Exact Sciences
Classification: Likely benign for TBCD-related condition. Last evaluated: 2019-06-17. Review status: no assertion criteria provided. Collection method: clinical testing. Allele origin: germline. Not counted in ClinVar's aggregate classification.
Comment: This variant is classified as likely benign based on ACMG/AMP sequence variant interpretation guidelines (Richards et al. 2015 PMID: 25741868, with internal and published modifications).

NM_005993.5(TBCD):c.2973C>T (p.Gly991=)

Gene: TBCD (tubulin folding cofactor D). Cytogenetic location: 17q25.3.
Variant type: single nucleotide variant.
Coding change: c.2973C>T on transcript NM_005993.5 (MANE Select); coding-DNA position 2973, C replaced by T.
Protein change: p.Gly991=; no amino-acid change (glycine 991 retained).
Molecular consequence: synonymous variant.
Genome position (GRCh38, 1-based): chr17:82,929,482, C>T. VCF-style: chr17-82929482-C-T. GRCh37 (hg19) VCF-style: chr17-80887358-C-T.
Identifiers: ClinVar variation 747992 (VCV000747992.11), dbSNP rs201850842, ClinGen allele CA8863311.